The following is an entry in ClinVar:

ClinVar aggregate classification (germline): Uncertain significance. Review status: criteria provided, multiple submitters, no conflicts (2 of 4 stars). 2 submissions from 2 submitters: Uncertain significance (2). Last evaluated 2022-10-12.

Conditions:
Familial hemophagocytic lymphohistiocytosis 3 (FHL3). Also called: UNC13D-Related Familial Hemophagocytic Lymphohistiocytosis (UNC13D-fHLH). Identifiers: Orphanet 540, MedGen C1837174, MONDO:0012146, OMIM 608898.
Inborn genetic diseases. Identifiers: MedGen C0950123, MeSH D030342.

Allele frequency attached by ClinVar (database versions not stated): TOPMed below 0.00001; gnomAD exomes 0.00002; ExAC 0.00005.
gnomAD v4.1: 12 of 1,613,822 alleles (0.00074%); highest among the groups gnomAD compares: Non-Finnish European, 0.001%; no homozygotes.

Submissions (2):

Ambry Genetics
Classification: Uncertain significance for Inborn genetic diseases. Last evaluated: 2022-10-12. Review status: criteria provided, single submitter. Criteria: Ambry Variant Classification Scheme 2023. Collection method: clinical testing. Allele origin: germline.

Labcorp Genetics (formerly Invitae), Labcorp
Classification: Uncertain significance for Familial hemophagocytic lymphohistiocytosis 3. Last evaluated: 2022-07-24. Review status: criteria provided, single submitter. Criteria: Invitae Variant Classification Sherloc (09022015). Collection method: clinical testing. Allele origin: germline.
Comment: This sequence change replaces glutamine, which is neutral and polar, with leucine, which is neutral and non-polar, at codon 836 of the UNC13D protein (p.Gln836Leu). This variant is present in population databases (rs747265361, gnomAD 0.005%). This variant has not been reported in the literature in individuals affected with UNC13D-related conditions. ClinVar contains an entry for this variant (Variation ID: 1349439). Algorithms developed to predict the effect of missense changes on protein structure and function are either unavailable or do not agree on the potential impact of this missense change (SIFT: "Not Available"; PolyPhen-2: "Benign"; Align-GVGD: "Not Available"). In summary, the available evidence is currently insufficient to determine the role of this variant in disease. Therefore, it has been classified as a Variant of Uncertain Significance.

NM_199242.3(UNC13D):c.2507A>T (p.Gln836Leu)

Gene: UNC13D (unc-13 homolog D; minus strand). Cytogenetic location: 17q25.1.
Variant type: single nucleotide variant.
Coding change: c.2507A>T on transcript NM_199242.3 (MANE Select); coding-DNA position 2507, A replaced by T.
Protein change: p.Gln836Leu; replaces glutamine 836 with leucine.
Molecular consequence: missense variant.
Genome position (GRCh38, 1-based): chr17:75,831,289, T>A on the plus strand (A>T on the coding strand, the complement: UNC13D is on the minus strand). VCF-style: chr17-75831289-T-A. GRCh37 (hg19) VCF-style: chr17-73827370-T-A.
Other names: c.2507A>T (NM_199242.2); short protein forms Q836L.
Identifiers: ClinVar variation 1349439 (VCV001349439.4), dbSNP rs747265361, ClinGen allele CA8772489.